The following is an entry in ClinVar:

ClinVar aggregate classification (germline): Uncertain significance (0 of 4 stars; one submission).

Conditions:
SEMA3A-related disorder. Also called: SEMA3A-related condition.

gnomAD v4.1: 1 of 1,609,814 alleles (0.000062%); highest among the groups gnomAD compares: Admixed American, 0.0017%; no homozygotes.

Submission:

PreventionGenetics, part of Exact Sciences
Classification: Uncertain significance for SEMA3A-related condition. Last evaluated: 2024-09-04. Review status: no assertion criteria provided. Collection method: clinical testing. Allele origin: germline.
Comment: The SEMA3A c.1089C>G variant is predicted to result in the amino acid substitution p.Asn363Lys. To our knowledge, this variant has not been reported in the literature or in a large population database, indicating this variant is rare. At this time, the clinical significance of this variant is uncertain due to the absence of conclusive functional and genetic evidence.

NM_006080.3(SEMA3A):c.1089C>G (p.Asn363Lys)

Gene: SEMA3A (semaphorin 3A; minus strand). Cytogenetic location: 7q21.11.
Variant type: single nucleotide variant.
Coding change: c.1089C>G on transcript NM_006080.3 (MANE Select); coding-DNA position 1089, C replaced by G.
Protein change: p.Asn363Lys; replaces asparagine 363 with lysine.
Molecular consequence: missense variant.
Genome position (GRCh38, 1-based): chr7:84,007,404, G>C on the plus strand (C>G on the coding strand, the complement: SEMA3A is on the minus strand). VCF-style: chr7-84007404-G-C. GRCh37 (hg19) VCF-style: chr7-83636720-G-C.
Other names: short protein forms N363K.
Identifiers: ClinVar variation 3355774 (VCV003355774.1).